The following is an entry in ClinVar:

NM_005609.4(PYGM):c.682del (p.Asp228fs)

Gene: PYGM (glycogen phosphorylase, muscle associated; minus strand). Cytogenetic location: 11q13.1.
Variant type: Deletion.
Coding change: c.682del on transcript NM_005609.4 (MANE Select); coding-DNA position 682, one base deleted (G; older notation c.682delG).
Protein change: p.Asp228fs; shifts the reading frame from aspartic acid 228.
Molecular consequence: frameshift variant.
Genome position (GRCh38, 1-based): chr11:64,755,537, C deleted on the plus strand (G on the coding strand, the reverse complement: PYGM is on the minus strand). VCF-style (leftmost placement, unchanged base first): chr11-64755536-TC-T. GRCh37 (hg19) VCF-style: chr11-64523008-TC-T.
Other names: c.418del, p.Asp140fs (NM_001164716.1); short protein forms D140fs, D228fs.
Identifiers: ClinVar variation 861525 (VCV000861525.9), dbSNP rs2058388882, ClinGen allele CA916083246.

ClinVar aggregate classification (germline): Pathogenic/Likely pathogenic. Review status: criteria provided, multiple submitters, no conflicts (2 of 4 stars). 2 submissions from 2 submitters: Pathogenic (1); Likely pathogenic (1). Last evaluated 2023-12-05.

Conditions:
Glycogen storage disease, type V (GSD5). Also called: PYGM DEFICIENCY; McArdle type glycogen storage disease; MCARDLE DISEASE; MUSCLE GLYCOGEN PHOSPHORYLASE DEFICIENCY; MYOPHOSPHORYLASE DEFICIENCY. Identifiers: Orphanet 368, MedGen C0017924, MONDO:0009293, OMIM 232600.

Submissions (2):

Baylor Genetics
Classification: Likely pathogenic for Glycogen storage disease, type V. Last evaluated: 2023-12-05. Review status: criteria provided, single submitter. Criteria: ACMG Guidelines, 2015. Collection method: clinical testing. Allele origin: unknown.

Labcorp Genetics (formerly Invitae), Labcorp
Classification: Pathogenic for Glycogen storage disease, type V. Last evaluated: 2022-02-04. Review status: criteria provided, single submitter. Criteria: Invitae Variant Classification Sherloc (09022015). Collection method: clinical testing. Allele origin: germline.
Comment: For these reasons, this variant has been classified as Pathogenic. ClinVar contains an entry for this variant (Variation ID: 861525). This variant has not been reported in the literature in individuals affected with PYGM-related conditions. This variant is not present in population databases (gnomAD no frequency). This sequence change creates a premature translational stop signal (p.Asp228Ilefs*67) in the PYGM gene. It is expected to result in an absent or disrupted protein product. Loss-of-function variants in PYGM are known to be pathogenic (PMID: 8316268, 16786513).

Literature cited by the submitters: PubMed 8316268 (cited by Labcorp Genetics (formerly Invitae), Labcorp); PubMed 16786513 (cited by Labcorp Genetics (formerly Invitae), Labcorp).